The following is an entry in ClinVar:

ClinVar aggregate classification (germline): Uncertain significance (1 of 4 stars; one submission).

Conditions:
Cardiovascular phenotype. Identifiers: MedGen CN230736.

gnomAD v4.1: 1 of 1,613,244 alleles (0.000062%); no homozygotes.

Submission:

Ambry Genetics
Classification: Uncertain significance for Cardiovascular phenotype. Last evaluated: 2023-05-14. Review status: criteria provided, single submitter. Criteria: Ambry Variant Classification Scheme 2023. Collection method: clinical testing. Allele origin: germline.
Comment: The p.D1548H variant (also known as c.4642G>C), located in coding exon 32 of the LAMA4 gene, results from a G to C substitution at nucleotide position 4642. The aspartic acid at codon 1548 is replaced by histidine, an amino acid with similar properties. This amino acid position is conserved. In addition, this alteration is predicted to be tolerated by in silico analysis. Since supporting evidence is limited at this time, the clinical significance of this alteration remains unclear.

NM_001105206.3(LAMA4):c.4663G>C (p.Asp1555His)

Gene: LAMA4 (laminin subunit alpha 4; minus strand). Cytogenetic location: 6q21.
Variant type: single nucleotide variant.
Coding change: c.4663G>C on transcript NM_001105206.3 (MANE Select); coding-DNA position 4663, G replaced by C.
Protein change: p.Asp1555His; replaces aspartic acid 1555 with histidine.
Molecular consequence: missense variant.
Genome position (GRCh38, 1-based): chr6:112,120,285, C>G on the plus strand (G>C on the coding strand, the complement: LAMA4 is on the minus strand). VCF-style: chr6-112120285-C-G. GRCh37 (hg19) VCF-style: chr6-112441488-C-G.
Other names: c.4642G>C, p.Asp1548His (NM_001105207.3, NM_002290.5); short protein forms D1555H, D1548H.
Identifiers: ClinVar variation 2562631 (VCV002562631.2), dbSNP rs1424002749, ClinGen allele CA365369018.